The following is an entry in ClinVar:

NM_003745.2(SOCS1):c.484C>G (p.Leu162Val)

Gene: SOCS1 (suppressor of cytokine signaling 1; minus strand). Cytogenetic location: 16p13.13.
Variant type: single nucleotide variant.
Coding change: c.484C>G on transcript NM_003745.2 (MANE Select); coding-DNA position 484, C replaced by G.
Protein change: p.Leu162Val; replaces leucine 162 with valine.
Molecular consequence: missense variant.
Genome position (GRCh38, 1-based): chr16:11,254,995, G>C on the plus strand (C>G on the coding strand, the complement: SOCS1 is on the minus strand). VCF-style: chr16-11254995-G-C. GRCh37 (hg19) VCF-style: chr16-11348852-G-C.
Other names: short protein forms L162V.
Identifiers: ClinVar variation 4883270 (VCV004883270.2).

ClinVar aggregate classification (germline): Uncertain significance (1 of 4 stars; one submission).

gnomAD v4.1: 1 of 1,565,278 alleles (0.000064%); highest among the groups gnomAD compares: Non-Finnish European, 0.000086%; no homozygotes.

Submission:

Dasa
Classification: Uncertain significance. Last evaluated: 2025-04-30. Review status: criteria provided, single submitter. Criteria: DASA Assertion Criteria. Collection method: clinical testing. Allele origin: germline.
Comment: NM_003745.2(SOCS1):c.484C>G (p.Leu162Val) is a missense variant that results in the substitution of leucine with valine. This variant is rare in population databases. Computational prediction algorithms are consistent with a benign effect. The currently available literature and clinical evidence are not sufficient to establish a definitive association between this variant and the reported condition. Therefore, this variant is classified as a variant of uncertain significance.